The following is an entry in ClinVar:

NM_000113.3(TOR1A):c.748+10G>A

Gene: TOR1A (torsin family 1 member A; minus strand). Cytogenetic location: 9q34.11.
Variant type: single nucleotide variant.
Coding change: c.748+10G>A on transcript NM_000113.3 (MANE Select); 10 bases into the intron after coding-DNA position 748, G replaced by A.
Molecular consequence: intron variant.
Genome position (GRCh38, 1-based): chr9:129,818,510, C>T on the plus strand (G>A on the coding strand, the complement: TOR1A is on the minus strand). VCF-style: chr9-129818510-C-T. GRCh37 (hg19) VCF-style: chr9-132580789-C-T.
Identifiers: ClinVar variation 914175 (VCV000914175.12), dbSNP rs764569880, ClinGen allele CA5278563.

ClinVar aggregate classification (germline): Likely benign. Review status: criteria provided, multiple submitters, no conflicts (2 of 4 stars). 2 submissions from 2 submitters: Likely benign (2). Last evaluated 2019-11-01.

Conditions:
Dystonic disorder. Also called: Dystonia. Identifiers: MedGen C0013421, MONDO:0003441, HP:0001332.
Early-onset generalized limb-onset dystonia. Also called: Dystonia-1, torsion; Oppenheim's dystonia; DYSTONIA MUSCULORUM DEFORMANS 1; Early onset torsion dystonia; DYT-TOR1A; Dystonia 1, modifier of. Identifiers: Orphanet 256, MedGen C1851945, MONDO:0007492, OMIM 128100.

Allele frequency attached by ClinVar (database versions not stated): gnomAD exomes 0.00002 and 0.00003.

Submissions (2):

Labcorp Genetics (formerly Invitae), Labcorp
Classification: Likely benign for Dystonic disorder. Last evaluated: 2019-11-01. Review status: criteria provided, single submitter. Criteria: Invitae Variant Classification Sherloc (09022015). Collection method: clinical testing. Allele origin: germline.

Illumina Laboratory Services, Illumina
Classification: Likely benign for Early-onset generalized limb-onset dystonia. Last evaluated: 2018-01-12. Review status: criteria provided, single submitter. Criteria: ICSL Variant Classification Criteria 13 December 2019. Collection method: clinical testing. Allele origin: germline.
Comment: This variant was observed in the ICSL laboratory as part of a predisposition screen in an ostensibly healthy population. It had not been previously curated by ICSL or reported in the Human Gene Mutation Database (HGMD: prior to June 1st, 2018), and was therefore a candidate for classification through an automated scoring system. Utilizing variant allele frequency, disease prevalence and penetrance estimates, and inheritance mode, an automated score was calculated to assess if this variant is too frequent to cause the disease. Based on the score and internal cut-off values, a variant classified as likely benign is not then subjected to further curation. The score for this variant resulted in a classification of likely benign for this disease.